The following is an entry in ClinVar:

NM_000216.4(ANOS1):c.1621+160A>G

Gene: ANOS1 (anosmin 1; minus strand). Cytogenetic location: Xp22.31.
Variant type: single nucleotide variant.
Coding change: c.1621+160A>G on transcript NM_000216.4 (MANE Select); 160 bases into the intron after coding-DNA position 1621, A replaced by G.
Molecular consequence: intron variant.
Genome position (GRCh38, 1-based): chrX:8,536,611, T>C on the plus strand (A>G on the coding strand, the complement: ANOS1 is on the minus strand). VCF-style: chrX-8536611-T-C. GRCh37 (hg19) VCF-style: chrX-8504652-T-C.
Identifiers: ClinVar variation 673328 (VCV000673328.1), dbSNP rs17306755, ClinGen allele CA326052366.
Genomic context (GRCh38, chrX:8,536,611, plus strand): 5'-ATAACATTACTATCAAAGGACATCTTTCCAAGCCTGTTAGGCTTTAAAATAACACATTCA[T>C]TCCTACATCTCTTCCCTCCACATTGGGCCATCATAACACAACTTAGAAAGAGAGGCACTT-3'

ClinVar aggregate classification (germline): Benign (1 of 4 stars; one submission).

Allele frequency attached by ClinVar (database versions not stated): 1000 Genomes Project 0.14490; 1000 Genomes Project 30x 0.14922; gnomAD 0.16575 and 0.16734; TOPMed 0.17236.
gnomAD v4.1: 18,449 of 111,599 alleles (17%); highest among the groups gnomAD compares: Middle Eastern, 22%; 1,133 homozygotes.

Submission:

GeneDx
Classification: Benign. Last evaluated: 2018-06-19. Review status: criteria provided, single submitter. Criteria: GeneDx Variant Classification (06012015). Collection method: clinical testing. Allele origin: germline. Affected: yes.
Comment: This variant is considered likely benign or benign based on one or more of the following criteria: it is a conservative change, it occurs at a poorly conserved position in the protein, it is predicted to be benign by multiple in silico algorithms, and/or has population frequency not consistent with disease.